The following is an entry in ClinVar:

ClinVar aggregate classification (germline): Benign/Likely benign. Review status: criteria provided, multiple submitters, no conflicts (2 of 4 stars). 3 submissions from 3 submitters: Benign (1); Likely benign (1). 1 of the submissions does not count toward it. Last evaluated 2024-11-26.

Conditions:
ITPR3-related disorder. Also called: ITPR3-related condition.

Allele frequency attached by ClinVar (database versions not stated): 1000 Genomes Project 30x 0.00016; 1000 Genomes Project 0.00020; gnomAD exomes 0.00026 and 0.00047; ExAC 0.00032; ESP Exome Variant Server 0.00038; gnomAD 0.00058 and 0.00061; TOPMed 0.00085.
gnomAD v4.1: 483 of 1,610,552 alleles (0.03%); highest among the groups gnomAD compares: Admixed American, 0.29%; 1 homozygote.

Submissions (3):

Blueprint Genetics
Classification: Likely benign. Last evaluated: 2024-11-26. Review status: criteria provided, single submitter. Criteria: ACMG Guidelines, 2015. Collection method: clinical testing. Allele origin: germline.

Labcorp Genetics (formerly Invitae), Labcorp
Classification: Benign. Last evaluated: 2019-12-31. Review status: criteria provided, single submitter. Criteria: Invitae Variant Classification Sherloc (09022015). Collection method: clinical testing. Allele origin: germline.

PreventionGenetics, part of Exact Sciences
Classification: Likely benign for ITPR3-related condition. Last evaluated: 2019-05-24. Review status: no assertion criteria provided. Collection method: clinical testing. Allele origin: germline. Not counted in ClinVar's aggregate classification.
Comment: This variant is classified as likely benign based on ACMG/AMP sequence variant interpretation guidelines (Richards et al. 2015 PMID: 25741868, with internal and published modifications).

NM_002224.4(ITPR3):c.1713+7C>T

Gene: ITPR3 (inositol 1,4,5-trisphosphate receptor type 3; plus strand). Cytogenetic location: 6p21.31.
Variant type: single nucleotide variant.
Coding change: c.1713+7C>T on transcript NM_002224.4 (MANE Select); 7 bases into the intron after coding-DNA position 1713, C replaced by T.
Molecular consequence: intron variant.
Genome position (GRCh38, 1-based): chr6:33,667,297, C>T. VCF-style: chr6-33667297-C-T. GRCh37 (hg19) VCF-style: chr6-33635074-C-T.
Identifiers: ClinVar variation 731696 (VCV000731696.7), dbSNP rs375990753, ClinGen allele CA3760332.